The following is an entry in ClinVar:

NM_001127222.2(CACNA1A):c.5133+3G>A

Gene: CACNA1A (calcium voltage-gated channel subunit alpha1 A; minus strand). Cytogenetic location: 19p13.13.
Variant type: single nucleotide variant.
Coding change: c.5133+3G>A on transcript NM_001127222.2 (MANE Select); 3 bases into the intron after coding-DNA position 5133, G replaced by A.
Molecular consequence: intron variant.
Genome position (GRCh38, 1-based): chr19:13,235,206, C>T on the plus strand (G>A on the coding strand, the complement: CACNA1A is on the minus strand). VCF-style: chr19-13235206-C-T. GRCh37 (hg19) VCF-style: chr19-13346020-C-T.
Other names: c.5136+3G>A (NM_001127221.2); c.5142+3G>A (NM_001174080.2); c.5151+3G>A (NM_000068.4, NM_023035.3).
Identifiers: ClinVar variation 2937449 (VCV002937449.5), dbSNP rs1320790447, ClinGen allele CA631861179.

ClinVar aggregate classification (germline): Uncertain significance. Review status: criteria provided, multiple submitters, no conflicts (2 of 4 stars). 2 submissions from 2 submitters: Uncertain significance (2). Last evaluated 2026-04-01.

Conditions:
Episodic ataxia type 2 (EA2). Also called: ATAXIA, EPISODIC, WITH NYSTAGMUS; ATAXIA, FAMILIAL PAROXYSMAL; CEREBELLAR ATAXIA, PAROXYSMAL, ACETAZOLAMIDE-RESPONSIVE; CEREBELLOPATHY, HEREDITARY PAROXYSMAL; EPISODIC ATAXIA, NYSTAGMUS-ASSOCIATED; ACETAZOLAMIDE-RESPONSIVE HEREDITARY PAROXYSMAL CEREBELLAR ATAXIA. Identifiers: Orphanet 97, MedGen C1720416, MONDO:0007163, OMIM 108500.
Developmental and epileptic encephalopathy, 42 (DEE42A). Also called: Epileptic encephalopathy, early infantile, 42; DEVELOPMENTAL AND EPILEPTIC ENCEPHALOPATHY 42A; EPILEPTIC ENCEPHALOPATHY, EARLY INFANTILE, 42A. Identifiers: MedGen C4310716, MONDO:0014917, OMIM 617106.

Allele frequency attached by ClinVar (database versions not stated): gnomAD 0.00001.
gnomAD v4.1: 3 of 1,606,620 alleles (0.00019%); highest among the groups gnomAD compares: Admixed American, 0.0052%; no homozygotes.

Submissions (2):

CeGaT Center for Human Genetics Tuebingen
Classification: Uncertain significance. Last evaluated: 2026-04-01. Review status: criteria provided, single submitter. Criteria: CeGaT Center For Human Genetics Tuebingen Variant Classification Criteria Version 2. Collection method: clinical testing. Allele origin: germline. Affected: yes. Observed: 1 variant allele.
Comment: CACNA1A: PM2:Supporting, BP4

Labcorp Genetics (formerly Invitae), Labcorp
Classification: Uncertain significance for Developmental and epileptic encephalopathy, 42; Episodic ataxia type 2. Last evaluated: 2023-02-25. Review status: criteria provided, single submitter. Criteria: Invitae Variant Classification Sherloc (09022015). Collection method: clinical testing. Allele origin: germline.
Comment: This variant is present in population databases (no rsID available, gnomAD 0.006%). In summary, the available evidence is currently insufficient to determine the role of this variant in disease. Therefore, it has been classified as a Variant of Uncertain Significance. Variants that disrupt the consensus splice site are a relatively common cause of aberrant splicing (PMID: 17576681, 9536098). Algorithms developed to predict the effect of sequence changes on RNA splicing suggest that this variant is not likely to affect RNA splicing. This variant has not been reported in the literature in individuals affected with CACNA1A-related conditions. This sequence change falls in intron 33 of the CACNA1A gene. It does not directly change the encoded amino acid sequence of the CACNA1A protein. It affects a nucleotide within the consensus splice site.

Literature cited by the submitters: PubMed 17576681 (cited by Labcorp Genetics (formerly Invitae), Labcorp); PubMed 9536098 (cited by Labcorp Genetics (formerly Invitae), Labcorp).